The following is an entry in ClinVar:

NM_177438.3(DICER1):c.3576_3578delinsCAG (p.Asn1193Ser)

Gene: DICER1 (dicer 1, ribonuclease III; minus strand). Cytogenetic location: 14q32.13.
Variant type: Indel.
Coding change: c.3576_3578delinsCAG on transcript NM_177438.3 (MANE Select); coding-DNA positions 3576 to 3578, TAA replaced by CAG.
Protein change: p.Asn1193Ser; replaces asparagine 1193 with serine.
Molecular consequence: missense variant. On other transcripts: non-coding transcript variant (6).
Genome position (GRCh38, 1-based): chr14:95,103,818-95,103,820, TTA replaced by CTG on the plus strand (TAA replaced by CAG on the coding strand, the reverse complement: DICER1 is on the minus strand). VCF-style: chr14-95103818-TTA-CTG. GRCh37 (hg19) VCF-style: chr14-95570155-TTA-CTG.
Other names: c.3576_3578delinsCAG, p.Asn1193Ser (NM_001195573.1, NM_001271282.3, NM_001291628.2 and 12 more transcripts); c.3576_3578delTAAinsCAG, p.Asn1193Ser (NM_001395681.1); c.3294_3296delinsCAG, p.Asn1099Ser (NM_001395686.1); c.3171_3173delinsCAG, p.Asn1058Ser (NM_001395687.1, NM_001395688.1, NM_001395689.1 and 2 more transcripts); c.3009_3011delinsCAG, p.Asn1004Ser (NM_001395691.1); c.1893_1895delinsCAG, p.Asn632Ser (NM_001395697.1); short protein forms N1058S, N1193S, N632S, N1004S, N1099S.
Identifiers: ClinVar variation 1732826 (VCV001732826.2), dbSNP rs2542707755, ClinGen allele CA2580088970.
Genomic context (GRCh38, chr14:95,103,818, plus strand): 5'-GGTTGCACGGGTATTTCCTGCTTGTAGTAATTTAGCTGATTTCCTTGGCAAAAGTCTCTG[TTA>CTG]GCTAAATCATAACTGCCATTGGCGAGATTTTGATTGTAAGAAAGACCATTAATTGCTGTA-3'
Protein context (NP_803187.1, residues 1183-1203): NLANGSYDLA[Asn1193Ser]RDFCQGNQLN

ClinVar aggregate classification (germline): Uncertain significance (1 of 4 stars; one submission).

Conditions:
Hereditary cancer-predisposing syndrome. Also called: Neoplastic Syndromes, Hereditary; Tumor predisposition; Hereditary Cancer Syndrome; Hereditary neoplastic syndrome. Identifiers: Orphanet 140162, MedGen C0027672, MeSH D009386, MONDO:0015356.

Submission:

Ambry Genetics
Classification: Uncertain significance for Hereditary cancer-predisposing syndrome. Last evaluated: 2022-04-06. Review status: criteria provided, single submitter. Criteria: Ambry Variant Classification Scheme 2023. Collection method: clinical testing. Allele origin: germline.
Comment: The c.3576_3578delTAAinsCAG variant (also known as p.N1193S), located in coding exon 20 of the DICER1 gene, results from an in-frame deletion of TAA and insertion of CAG at nucleotide positions 3576 to 3578. This results in the substitution of the asparagine residue for a serine residue at codon 1193, an amino acid with highly similar properties. This amino acid position is not well conserved in available vertebrate species. In addition, this alteration is predicted to be neutral by in silico analysis (Choi Y et al. PLoS ONE. 2012; 7(10):e46688). Since supporting evidence is limited at this time, the clinical significance of this alteration remains unclear.